The following is an entry in ClinVar:

ClinVar aggregate classification (germline): Pathogenic. Review status: criteria provided, multiple submitters, no conflicts (2 of 4 stars). 4 submissions from 4 submitters: Pathogenic (4). Last evaluated 2025-07-25.

Conditions:
Glycogen storage disease, type I. Identifiers: Orphanet 364, MedGen C0017920, MONDO:0002413.
Glucose-6-phosphate transport defect (GSD1B). Also called: Glycogen Storage Disease Type Ib; GSD Ib. Identifiers: Orphanet 364, Orphanet 79259, MedGen C0268146, MONDO:0009288, OMIM 232220.

Submissions (4):

Myriad Genetics, Inc.
Classification: Pathogenic for Glycogen storage disease, type I. Last evaluated: 2025-07-25. Review status: criteria provided, single submitter. Criteria: Myriad Autosomal Dominant, Autosomal Recessive and X-Linked Classification Criteria (2023). Collection method: clinical testing. Allele origin: unknown.
Comment: NM_001164277.1(SLC37A4):c.818delG(G273Afs*3) is a frameshift variant classified as pathogenic in the context of glycogen storage disease type Ib. G273Afs*3 has not been observed in cases with relevant disease. Relevant functional assessments of this variant are not available in the literature. G273Afs*3 has not been observed in referenced population frequency databases. In summary, NM_001164277.1(SLC37A4):c.818delG(G273Afs*3) is a frameshift variant in a gene where loss of function is a known mechanism of disease and is predicted to disrupt protein function. Please note: this variant was assessed in the context of healthy population screening.

Labcorp Genetics (formerly Invitae), Labcorp
Classification: Pathogenic for Glucose-6-phosphate transport defect. Last evaluated: 2025-01-01. Review status: criteria provided, single submitter. Criteria: Invitae Variant Classification Sherloc (09022015). Collection method: clinical testing. Allele origin: germline.
Comment: This sequence change creates a premature translational stop signal (p.Gly273Alafs*3) in the SLC37A4 gene. It is expected to result in an absent or disrupted protein product. Loss-of-function variants in SLC37A4 are known to be pathogenic (PMID: 9758626, 10940311). This variant is not present in population databases (gnomAD no frequency). This premature translational stop signal has been observed in individual(s) with glycogen storage disease (PMID: 35366317). ClinVar contains an entry for this variant (Variation ID: 801369). Algorithms developed to predict the effect of sequence changes on RNA splicing suggest that this variant may disrupt the consensus splice site. For these reasons, this variant has been classified as Pathogenic.

GeneDx
Classification: Pathogenic. Last evaluated: 2024-05-09. Review status: criteria provided, single submitter. Criteria: GeneDx Variant Classification Process June 2021. Collection method: clinical testing. Allele origin: germline. Affected: yes.
Comment: Frameshift variant predicted to result in protein truncation or nonsense mediated decay in a gene for which loss of function is a known mechanism of disease; Not observed at significant frequency in large population cohorts (gnomAD); This variant is associated with the following publications: (PMID: 35366317)

Mendelics
Classification: Pathogenic. Last evaluated: 2019-05-28. Review status: criteria provided, single submitter. Criteria: Mendelics Assertion Criteria 2017. Collection method: clinical testing. Allele origin: unknown.

Literature cited by the submitters: PubMed 9758626 (cited by Labcorp Genetics (formerly Invitae), Labcorp); PubMed 10940311 (cited by Labcorp Genetics (formerly Invitae), Labcorp); PubMed 35366317 (cited by Labcorp Genetics (formerly Invitae), Labcorp).

NM_001164277.2(SLC37A4):c.818del (p.Gly273fs)

Gene: SLC37A4 (solute carrier family 37 member 4; minus strand). Cytogenetic location: 11q23.3.
Variant type: Deletion.
Coding change: c.818del on transcript NM_001164277.2 (MANE Select); coding-DNA position 818, one base deleted (G; older notation c.818delG).
Protein change: p.Gly273fs; shifts the reading frame from glycine 273.
Molecular consequence: frameshift variant.
Genome position (GRCh38, 1-based): chr11:119,026,655, C deleted on the plus strand (G on the coding strand, the reverse complement: SLC37A4 is on the minus strand); the first of 5 consecutive C bases (chr11:119,026,655-119,026,659); deleting any one gives the same sequence. VCF-style (leftmost placement, unchanged base first): chr11-119026654-GC-G. GRCh37 (hg19) VCF-style: chr11-118897364-GC-G.
Other names: c.818del, p.Gly273fs (NM_001164278.2, NM_001164280.2, NM_001467.6); c.599del, p.Gly200fs (NM_001164279.2); c.818del (NM_001164277.1); short protein forms G200fs, G273fs.
Identifiers: ClinVar variation 801369 (VCV000801369.5), dbSNP rs1592111112, ClinGen allele CA915947774.